The following is an entry in ClinVar:

ClinVar aggregate classification (germline): Uncertain significance (1 of 4 stars; one submission).

Submission:

Labcorp Genetics (formerly Invitae), Labcorp
Classification: Uncertain significance. Last evaluated: 2024-04-30. Review status: criteria provided, single submitter. Criteria: Invitae Variant Classification Sherloc (09022015). Collection method: clinical testing. Allele origin: germline.
Comment: This sequence change replaces valine, which is neutral and non-polar, with leucine, which is neutral and non-polar, at codon 2248 of the KMT2B protein (p.Val2248Leu). This variant is not present in population databases (gnomAD no frequency). This variant has not been reported in the literature in individuals affected with KMT2B-related conditions. Advanced modeling of protein sequence and biophysical properties (such as structural, functional, and spatial information, amino acid conservation, physicochemical variation, residue mobility, and thermodynamic stability) has been performed at Invitae for this missense variant, however the output from this modeling did not meet the statistical confidence thresholds required to predict the impact of this variant on KMT2B protein function. In summary, the available evidence is currently insufficient to determine the role of this variant in disease. Therefore, it has been classified as a Variant of Uncertain Significance.

NM_014727.3(KMT2B):c.6742G>C (p.Val2248Leu)

Gene: KMT2B (lysine methyltransferase 2B; plus strand). Cytogenetic location: 19q13.12.
Variant type: single nucleotide variant.
Coding change: c.6742G>C on transcript NM_014727.3 (MANE Select); coding-DNA position 6742, G replaced by C.
Protein change: p.Val2248Leu; replaces valine 2248 with leucine.
Molecular consequence: missense variant.
Genome position (GRCh38, 1-based): chr19:35,733,291, G>C. VCF-style: chr19-35733291-G-C. GRCh37 (hg19) VCF-style: chr19-36224192-G-C.
Other names: short protein forms V2248L.
Identifiers: ClinVar variation 3683901 (VCV003683901.2).